The following is an entry in ClinVar:

NM_016222.4(DDX41):c.647dup (p.Ser217fs)

Gene: DDX41 (DEAD-box helicase 41; minus strand). Cytogenetic location: 5q35.3.
Variant type: Duplication.
Coding change: c.647dup on transcript NM_016222.4 (MANE Select); coding-DNA position 647, one base duplicated (T; older notation c.647dupT).
Protein change: p.Ser217fs; shifts the reading frame from serine 217.
Molecular consequence: frameshift variant.
Genome position (GRCh38, 1-based): chr5:177,515,067, A duplicated on the plus strand (T on the coding strand, the reverse complement: DDX41 is on the minus strand). VCF-style (leftmost placement, unchanged base first): chr5-177515066-T-TA. GRCh37 (hg19) VCF-style: chr5-176942067-T-TA.
Other names: c.269dup, p.Ser91fs (NM_001321732.2, NM_001321830.2); c.647dupT (NM_016222.2); c.647dup (NM_016222.2); short protein forms S217fs, S91fs.
Identifiers: ClinVar variation 3383194 (VCV003383194.5).

ClinVar aggregate classification (germline): Pathogenic/Likely pathogenic. Review status: criteria provided, multiple submitters, no conflicts (2 of 4 stars). 3 submissions from 3 submitters: Pathogenic (2); Likely pathogenic (1). Last evaluated 2025-07-14.

Conditions:
Inborn genetic diseases. Identifiers: MedGen C0950123, MeSH D030342.
DDX41-related hematologic malignancy predisposition syndrome. Also called: DDX41-Associated Familial Myelodysplastic Syndrome and Acute Myeloid Leukemia; Myeloproliferative/lymphoproliferative neoplasms, familial (multiple types), susceptibility to. Identifiers: Orphanet 488647, MedGen C4225174, MONDO:0014809, OMIM 616871.

Submissions (3):

GeneDx
Classification: Likely pathogenic. Last evaluated: 2025-07-14. Review status: criteria provided, single submitter. Criteria: GeneDx Variant Classification Process June 2021. Collection method: clinical testing. Allele origin: germline. Affected: yes.
Comment: Frameshift variant predicted to result in protein truncation or nonsense mediated decay in a gene for which loss of function is a known mechanism of disease; Not observed at significant frequency in large population cohorts (gnomAD); Has not been previously published as pathogenic or benign to our knowledge; This variant is associated with the following publications: (PMID: 37506341)

Ambry Genetics
Classification: Pathogenic for Inborn genetic diseases. Last evaluated: 2025-03-20. Review status: criteria provided, single submitter. Criteria: Ambry Variant Classification Scheme 2023. Collection method: clinical testing. Allele origin: germline.
Comment: The c.647dupT pathogenic mutation, located in coding exon 8 of the DDX41 gene, results from a duplication of T at nucleotide position 647, causing a translational frameshift with a predicted alternate stop codon (p.S217Ifs*4). This alteration is expected to result in loss of function by premature protein truncation or nonsense-mediated mRNA decay. As such, this alteration is interpreted as a disease-causing mutation.

Juno Genomics, Hangzhou Juno Genomics, Inc
Classification: Pathogenic for DDX41-related hematologic malignancy predisposition syndrome. Review status: criteria provided, single submitter. Criteria: ACMG Guidelines, 2015. Collection method: clinical testing. Allele origin: germline.
Comment: Null variant in a gene where loss of function (LOF) is a known mechanism of disease.;Absent from controls (or at extremely low frequency if recessive) in Genome Aggregation Database.;The prevalence of the variant in affected individuals is significantly increased compared to the prevalence in controls.